The following is an entry in ClinVar:

NM_020911.2(PLXNA4):c.2257C>T (p.Leu753=)

Gene: PLXNA4 (plexin A4; minus strand). Cytogenetic location: 7q32.3.
Variant type: single nucleotide variant.
Coding change: c.2257C>T on transcript NM_020911.2 (MANE Select); coding-DNA position 2257, C replaced by T.
Protein change: p.Leu753=; no amino-acid change (leucine 753 retained).
Molecular consequence: synonymous variant.
Genome position (GRCh38, 1-based): chr7:132,210,984, G>A on the plus strand (C>T on the coding strand, the complement: PLXNA4 is on the minus strand). VCF-style: chr7-132210984-G-A. GRCh37 (hg19) VCF-style: chr7-131895743-G-A.
Other names: c.2257C>T, p.Leu753= (NM_001393897.1).
Identifiers: ClinVar variation 3043143 (VCV003043143.2), dbSNP rs544399380, ClinGen allele CA4489859.

ClinVar aggregate classification (germline): Likely benign (0 of 4 stars; one submission).

Conditions:
PLXNA4-related disorder. Also called: PLXNA4-related condition.

Allele frequency attached by ClinVar (database versions not stated): gnomAD exomes 0.00005; TOPMed 0.00005; gnomAD 0.00007; ExAC 0.00009; 1000 Genomes Project 30x 0.00031; 1000 Genomes Project 0.00040.
gnomAD v4.1: 84 of 1,613,512 alleles (0.0052%); highest among the groups gnomAD compares: East Asian, 0.06%; no homozygotes.

Submission:

PreventionGenetics, part of Exact Sciences
Classification: Likely benign for PLXNA4-related condition. Last evaluated: 2022-02-02. Review status: no assertion criteria provided. Collection method: clinical testing. Allele origin: germline.
Comment: This variant is classified as likely benign based on ACMG/AMP sequence variant interpretation guidelines (Richards et al. 2015 PMID: 25741868, with internal and published modifications).